The following is an entry in ClinVar:

ClinVar aggregate classification (germline): Uncertain significance (1 of 4 stars; one submission).

gnomAD v4.1: 1 of 1,207,168 alleles (0.000083%); highest among the groups gnomAD compares: South Asian, 0.0018%; no homozygotes.

Submission:

GeneDx
Classification: Uncertain significance. Last evaluated: 2024-06-13. Review status: criteria provided, single submitter. Criteria: GeneDx Variant Classification Process June 2021. Collection method: clinical testing. Allele origin: germline. Affected: yes.
Comment: Not observed at significant frequency in large population cohorts (gnomAD); In silico analysis supports that this missense variant has a deleterious effect on protein structure/function; Has not been previously published as pathogenic or benign to our knowledge

NM_001110556.2(FLNA):c.1409A>G (p.Tyr470Cys)

Gene: FLNA (filamin A; minus strand). Cytogenetic location: Xq28.
Variant type: single nucleotide variant.
Coding change: c.1409A>G on transcript NM_001110556.2 (MANE Select); coding-DNA position 1409, A replaced by G.
Protein change: p.Tyr470Cys; replaces tyrosine 470 with cysteine.
Molecular consequence: missense variant.
Genome position (GRCh38, 1-based): chrX:154,366,044, T>C on the plus strand (A>G on the coding strand, the complement: FLNA is on the minus strand). VCF-style: chrX-154366044-T-C. GRCh37 (hg19) VCF-style: chrX-153594412-T-C.
Other names: c.1409A>G, p.Tyr470Cys (NM_001456.4); short protein forms Y470C.
Identifiers: ClinVar variation 3390575 (VCV003390575.1).